The following is an entry in ClinVar:

ClinVar aggregate classification (germline): Pathogenic (1 of 4 stars; one submission).

gnomAD v4.1: 1 of 1,614,174 alleles (0.000062%); no homozygotes.

Submission:

Labcorp Genetics (formerly Invitae), Labcorp
Classification: Pathogenic. Last evaluated: 2022-06-01. Review status: criteria provided, single submitter. Criteria: Invitae Variant Classification Sherloc (09022015). Collection method: clinical testing. Allele origin: germline.
Comment: This sequence change creates a premature translational stop signal (p.Gln120*) in the RCBTB1 gene. It is expected to result in an absent or disrupted protein product. Loss-of-function variants in RCBTB1 are known to be pathogenic (PMID: 31494449). For these reasons, this variant has been classified as Pathogenic. Algorithms developed to predict the effect of sequence changes on RNA splicing suggest that this variant may create or strengthen a splice site. ClinVar contains an entry for this variant (Variation ID: 957270). This variant has not been reported in the literature in individuals affected with RCBTB1-related conditions. This variant is not present in population databases (gnomAD no frequency).

Literature cited by the submitters: PubMed 31494449.

NM_018191.4(RCBTB1):c.358C>T (p.Gln120Ter)

Gene: RCBTB1 (RCC1 and BTB domain containing protein 1; minus strand). Cytogenetic location: 13q14.2.
Variant type: single nucleotide variant.
Coding change: c.358C>T on transcript NM_018191.4 (MANE Select); coding-DNA position 358, C replaced by T.
Protein change: p.Gln120Ter; replaces glutamine 120 with a stop codon.
Molecular consequence: nonsense. On other transcripts: 5 prime UTR variant (1), non-coding transcript variant (2).
Genome position (GRCh38, 1-based): chr13:49,560,004, G>A on the plus strand (C>T on the coding strand, the complement: RCBTB1 is on the minus strand). VCF-style: chr13-49560004-G-A. GRCh37 (hg19) VCF-style: chr13-50134140-G-A.
Other names: c.358C>T, p.Gln120Ter (NM_001352500.2, NM_001352501.2, NM_001352502.2 and 3 more transcripts); c.-252C>T (NM_001352506.2); short protein forms Q120*.
Identifiers: ClinVar variation 957270 (VCV000957270.7), dbSNP rs1962302858, ClinGen allele CA388192396.